The following is an entry in ClinVar:

NM_022114.4(PRDM16):c.1393C>G (p.Pro465Ala)

Gene: PRDM16 (PR/SET domain 16; plus strand). Cytogenetic location: 1p36.32.
Variant type: single nucleotide variant.
Coding change: c.1393C>G on transcript NM_022114.4 (MANE Select); coding-DNA position 1393, C replaced by G.
Protein change: p.Pro465Ala; replaces proline 465 with alanine.
Molecular consequence: missense variant.
Genome position (GRCh38, 1-based): chr1:3,411,590, C>G. VCF-style: chr1-3411590-C-G. GRCh37 (hg19) VCF-style: chr1-3328154-C-G.
Other names: c.1393C>G, p.Pro465Ala (NM_199454.3); short protein forms P465A.
Identifiers: ClinVar variation 406236 (VCV000406236.16), dbSNP rs763015619, ClinGen allele CA16610126.

ClinVar aggregate classification (germline): Conflicting classifications of pathogenicity. Review status: criteria provided, conflicting classifications (1 of 4 stars). 5 submissions from 5 submitters: Uncertain significance (4); Likely benign (1). Last evaluated 2025-12-01.

Conditions:
Inborn genetic diseases. Identifiers: MedGen C0950123, MeSH D030342.
Left ventricular noncompaction 8 (LVNC8). Identifiers: Orphanet 154, Orphanet 54260, MedGen C3809288, MONDO:0014152, OMIM 615373.

Allele frequency attached by ClinVar (database versions not stated): gnomAD 0.00002 and 0.00003; TOPMed 0.00003.
gnomAD v4.1: 73 of 1,613,904 alleles (0.0045%); highest among the groups gnomAD compares: Non-Finnish European, 0.0058%; no homozygotes.

Submissions (5):

Labcorp Genetics (formerly Invitae), Labcorp
Classification: Uncertain significance for Left ventricular noncompaction 8. Last evaluated: 2025-12-01. Review status: criteria provided, single submitter. Criteria: Invitae Variant Classification Sherloc (09022015). Collection method: clinical testing. Allele origin: germline.
Comment: This sequence change replaces proline, which is neutral and non-polar, with alanine, which is neutral and non-polar, at codon 465 of the PRDM16 protein (p.Pro465Ala). This variant is present in population databases (no rsID available, gnomAD 0.005%). This variant has not been reported in the literature in individuals affected with PRDM16-related conditions. ClinVar contains an entry for this variant (Variation ID: 406236). An algorithm developed to predict the effect of missense changes on protein structure and function outputs the following: PolyPhen-2: "Benign". The alanine amino acid residue is found in multiple mammalian species, which suggests that this missense change does not adversely affect protein function. In summary, the available evidence is currently insufficient to determine the role of this variant in disease. Therefore, it has been classified as a Variant of Uncertain Significance.

Ambry Genetics
Classification: Uncertain significance for Inborn genetic diseases. Last evaluated: 2025-09-22. Review status: criteria provided, single submitter. Criteria: Ambry Variant Classification Scheme 2023. Collection method: clinical testing. Allele origin: germline.

Women's Health and Genetics/Laboratory Corporation of America, LabCorp
Classification: Uncertain significance. Last evaluated: 2025-04-25. Review status: criteria provided, single submitter. Criteria: LabCorp Variant Classification Summary - May 2015. Collection method: clinical testing. Allele origin: germline.

Blueprint Genetics
Classification: Likely benign. Last evaluated: 2024-03-12. Review status: criteria provided, single submitter. Criteria: ACMG Guidelines, 2015. Collection method: clinical testing. Allele origin: germline.

GeneDx
Classification: Uncertain significance. Last evaluated: 2021-05-14. Review status: criteria provided, single submitter. Criteria: GeneDx Variant Classification Process June 2021. Collection method: clinical testing. Allele origin: germline. Affected: yes.
Comment: Has not been previously published as pathogenic or benign to our knowledge; Reported in ClinVar as a variant of uncertain significance (ClinVar Variant ID#406236; Landrum et al., 2016); In silico analysis supports that this missense variant does not alter protein structure/function